The following is an entry in ClinVar:

ClinVar aggregate classification (germline): Uncertain significance. Review status: criteria provided, multiple submitters, no conflicts (2 of 4 stars). 2 submissions from 2 submitters: Uncertain significance (2). Last evaluated 2025-08-30.

Conditions:
Inborn genetic diseases. Identifiers: MedGen C0950123, MeSH D030342.

gnomAD v4.1: 5 of 1,614,016 alleles (0.00031%); highest among the groups gnomAD compares: South Asian, 0.0033%; no homozygotes.

Submissions (2):

Labcorp Genetics (formerly Invitae), Labcorp
Classification: Uncertain significance. Last evaluated: 2025-08-30. Review status: criteria provided, single submitter. Criteria: Invitae Variant Classification Sherloc (09022015). Collection method: clinical testing. Allele origin: germline.
Comment: This sequence change replaces proline, which is neutral and non-polar, with serine, which is neutral and polar, at codon 192 of the MBD4 protein (p.Pro192Ser). This variant is present in population databases (rs775165657, gnomAD 0.006%). This variant has not been reported in the literature in individuals affected with MBD4-related conditions. ClinVar contains an entry for this variant (Variation ID: 4052250). An algorithm developed to predict the effect of missense changes on protein structure and function (PolyPhen-2) suggests that this variant is likely to be disruptive. In summary, the available evidence is currently insufficient to determine the role of this variant in disease. Therefore, it has been classified as a Variant of Uncertain Significance.

Ambry Genetics
Classification: Uncertain significance for Inborn genetic diseases. Last evaluated: 2025-06-08. Review status: criteria provided, single submitter. Criteria: Ambry Variant Classification Scheme 2023. Collection method: clinical testing. Allele origin: germline.
Comment: The p.P192S variant (also known as c.574C>T), located in coding exon 3 of the MBD4 gene, results from a C to T substitution at nucleotide position 574. The proline at codon 192 is replaced by serine, an amino acid with similar properties. This amino acid position is conserved. In addition, the in silico prediction for this alteration is inconclusive. Based on the available evidence, the clinical significance of this variant remains unclear.

NM_001276270.2(MBD4):c.574C>T (p.Pro192Ser)

Gene: MBD4 (methyl-CpG binding domain 4, DNA glycosylase; minus strand). Cytogenetic location: 3q21.3.
Variant type: single nucleotide variant.
Coding change: c.574C>T on transcript NM_001276270.2 (MANE Select); coding-DNA position 574, C replaced by T.
Protein change: p.Pro192Ser; replaces proline 192 with serine.
Molecular consequence: missense variant. On other transcripts: intron variant (1).
Genome position (GRCh38, 1-based): chr3:129,437,070, G>A on the plus strand (C>T on the coding strand, the complement: MBD4 is on the minus strand). VCF-style: chr3-129437070-G-A. GRCh37 (hg19) VCF-style: chr3-129155913-G-A.
Other names: c.574C>T, p.Pro192Ser (NM_001276271.2, NM_001276272.2, NM_003925.3); c.247+738C>T (NM_001276273.2); short protein forms P192S.
Identifiers: ClinVar variation 4052250 (VCV004052250.2).